The following is an entry in ClinVar:

ClinVar aggregate classification (germline): Uncertain significance (1 of 4 stars; one submission).

Conditions:
CREBBP-related disorder. Also called: CREBBP-related condition; CREBBP-related disorders.

Submission:

PreventionGenetics, part of Exact Sciences
Classification: Uncertain significance for CREBBP-related condition. Last evaluated: 2023-09-29. Review status: criteria provided, single submitter. Criteria: ACMG Guidelines, 2015. Collection method: clinical testing. Allele origin: germline.
Comment: The CREBBP c.635C>G variant is predicted to result in the amino acid substitution p.Ser212Cys. To our knowledge, this variant has not been reported in the literature or in a large population database, indicating this variant is rare. At this time, the clinical significance of this variant is uncertain due to the absence of conclusive functional and genetic evidence.

NM_004380.3(CREBBP):c.635C>G (p.Ser212Cys)

Gene: CREBBP (CREB binding lysine acetyltransferase; minus strand). Cytogenetic location: 16p13.3.
Variant type: single nucleotide variant.
Coding change: c.635C>G on transcript NM_004380.3 (MANE Select); coding-DNA position 635, C replaced by G.
Protein change: p.Ser212Cys; replaces serine 212 with cysteine.
Molecular consequence: missense variant.
Genome position (GRCh38, 1-based): chr16:3,850,460, G>C on the plus strand (C>G on the coding strand, the complement: CREBBP is on the minus strand). VCF-style: chr16-3850460-G-C. GRCh37 (hg19) VCF-style: chr16-3900461-G-C.
Other names: c.635C>G, p.Ser212Cys (NM_001079846.1); short protein forms S212C.
Identifiers: ClinVar variation 2630669 (VCV002630669.1), dbSNP rs2141490765, ClinGen allele CA394559831.